The following is an entry in ClinVar:

NM_014444.5(TUBGCP4):c.1732-6G>A

Genes: TP53BP1 (tumor protein p53 binding protein 1; minus strand), TUBGCP4 (tubulin gamma complex component 4; plus strand). Cytogenetic location: 15q15.3.
Variant type: single nucleotide variant.
Coding change: c.1732-6G>A on transcript NM_014444.5 (MANE Select); 6 bases into the intron before coding-DNA position 1732, G replaced by A.
Molecular consequence: intron variant. On other transcripts: 3 prime UTR variant (5).
Genome position (GRCh38, 1-based): chr15:43,403,677, G>A. VCF-style: chr15-43403677-G-A. GRCh37 (hg19) VCF-style: chr15-43695875-G-A.
Other names: c.*3706C>T (NM_001141979.3, NM_001141980.3, NM_001355001.2 and 2 more transcripts); c.1735-6G>A (NM_001286414.3).
Identifiers: ClinVar variation 1378746 (VCV001378746.5), dbSNP rs769172991, ClinGen allele CA7524184.

ClinVar aggregate classification (germline): Uncertain significance (1 of 4 stars; one submission).

Allele frequency attached by ClinVar (database versions not stated): gnomAD 0.00001.
gnomAD v4.1: 8 of 1,605,140 alleles (0.0005%); highest among the groups gnomAD compares: Admixed American, 0.0033%; no homozygotes.

Submission:

Labcorp Genetics (formerly Invitae), Labcorp
Classification: Uncertain significance. Last evaluated: 2024-10-21. Review status: criteria provided, single submitter. Criteria: Invitae Variant Classification Sherloc (09022015). Collection method: clinical testing. Allele origin: germline.
Comment: This sequence change falls in intron 15 of the TUBGCP4 gene. It does not directly change the encoded amino acid sequence of the TUBGCP4 protein. This variant is present in population databases (rs769172991, gnomAD 0.004%). This variant has not been reported in the literature in individuals affected with TUBGCP4-related conditions. ClinVar contains an entry for this variant (Variation ID: 1378746). Algorithms developed to predict the effect of sequence changes on RNA splicing suggest that this variant may disrupt the consensus splice site. In summary, the available evidence is currently insufficient to determine the role of this variant in disease. Therefore, it has been classified as a Variant of Uncertain Significance.